The following is an entry in ClinVar:

ClinVar aggregate classification (germline): Pathogenic (1 of 4 stars; one submission).

Conditions:
Intellectual developmental disorder, X-linked 1. Also called: Intellectual disability, X-linked 1; Atkin Flaitz Patil Smith syndrome; MENTAL RETARDATION, X-LINKED 18; MENTAL RETARDATION, X-LINKED 78. Identifiers: Orphanet 777, MedGen C2931498, MONDO:0010656, OMIM 309530.

Submission:

Labcorp Genetics (formerly Invitae), Labcorp
Classification: Pathogenic for Intellectual developmental disorder, X-linked 1. Last evaluated: 2022-11-22. Review status: criteria provided, single submitter. Criteria: Invitae Variant Classification Sherloc (09022015). Collection method: clinical testing. Allele origin: germline.
Comment: This sequence change results in a frameshift in the IQSEC2 gene (p.Asn1471Glnfs*136). While this is not anticipated to result in nonsense mediated decay, it is expected to disrupt the last 18 amino acid(s) of the IQSEC2 protein and extend the protein by 117 additional amino acid residues. This variant is not present in population databases (gnomAD no frequency). This variant has not been reported in the literature in individuals affected with IQSEC2-related conditions. ClinVar contains an entry for this variant (Variation ID: 1454379). This variant results in an extension of the IQSEC2 protein. Other variant(s) that result in a similarly extended protein product (p.Ser1474Glnfs*133) have been determined to be pathogenic (PMID: 30666632). This suggests that these extensions are likely to be disease-causing. For these reasons, this variant has been classified as Pathogenic.

Literature cited by the submitters: PubMed 30666632.

NM_001111125.3(IQSEC2):c.4410dup (p.Asn1471fs)

Gene: IQSEC2 (IQ motif and Sec7 domain ArfGEF 2; minus strand). Cytogenetic location: Xp11.22.
Variant type: Duplication.
Coding change: c.4410dup on transcript NM_001111125.3 (MANE Select); coding-DNA position 4410, one base duplicated (C; older notation c.4410dupC).
Protein change: p.Asn1471fs; shifts the reading frame from asparagine 1471.
Molecular consequence: frameshift variant. On other transcripts: 3 prime UTR variant (1).
Genome position (GRCh38, 1-based): chrX:53,234,276, G duplicated on the plus strand (C on the coding strand, the reverse complement: IQSEC2 is on the minus strand); the first of 2 consecutive G bases (chrX:53,234,276-53,234,277); duplicating either gives the same sequence. VCF-style (leftmost placement, unchanged base first): chrX-53234275-T-TG. GRCh37 (hg19) VCF-style: chrX-53263457-T-TG.
Other names: c.*895dup (NM_015075.2); short protein forms N1471fs.
Identifiers: ClinVar variation 1454379 (VCV001454379.6), dbSNP rs2146999914, ClinGen allele CA2573158972.
Genomic context (GRCh38, chrX:53,234,275, plus strand): 5'-TTCATCAGACCACGGTGCTGATCCGGCTTGGCTTGGCCTTGGGGTTTGCACTGGGGGGGT[T>TG]GGCTGTGCCAGGGGGCCCAGAGGCGTGCAGCGGGCCATGGGGGGAGGTGGGTGGAAGGGG-3'